The following is an entry in ClinVar:

NM_000051.4(ATM):c.2426C>T (p.Ser809Leu)

Gene: ATM (ATM serine/threonine kinase; plus strand). Cytogenetic location: 11q22.3.
Variant type: single nucleotide variant.
Coding change: c.2426C>T on transcript NM_000051.4 (MANE Select); coding-DNA position 2426, C replaced by T.
Protein change: p.Ser809Leu; replaces serine 809 with leucine.
Molecular consequence: missense variant.
Genome position (GRCh38, 1-based): chr11:108,259,035, C>T. VCF-style: chr11-108259035-C-T. GRCh37 (hg19) VCF-style: chr11-108129762-C-T.
Other names: p.S809L:TCA>TTA; c.2426C>T, p.Ser809Leu (NM_001351834.2); short protein forms S809L.
Identifiers: ClinVar variation 181929 (VCV000181929.21), dbSNP rs730881348, ClinGen allele CA298167.

ClinVar aggregate classification (germline): Uncertain significance. Review status: criteria provided, multiple submitters, no conflicts (2 of 4 stars). 8 submissions from 8 submitters: Uncertain significance (8). Last evaluated 2025-05-13.

Conditions:
ATM-related cancer predisposition. Also called: ATM-related cancer susceptibility. Identifiers: MedGen CN377759, MONDO:0700270.
Hereditary cancer-predisposing syndrome. Also called: Hereditary Cancer Syndrome; Neoplastic Syndromes, Hereditary; Tumor predisposition; Hereditary neoplastic syndrome. Identifiers: Orphanet 140162, MedGen C0027672, MeSH D009386, MONDO:0015356.
Familial cancer of breast. Also called: BREAST CANCER, FAMILIAL; hereditary breast carcinoma; Hereditary breast cancer. Identifiers: Orphanet 227535, MedGen C0346153, MONDO:0016419, OMIM 114480. Disease mechanism: loss of function.
Ataxia-telangiectasia syndrome (AT). Also called: ATAXIA-TELANGIECTASIA, COMPLEMENTATION GROUP A; ATAXIA-TELANGIECTASIA, FRESNO VARIANT; Ataxia-telangiectasia; LOUIS-BAR SYNDROME; Ataxia telangiectasia (A-T); Ataxia-telangiectasia, complementation group D. Identifiers: Orphanet 100, MedGen C0004135, MONDO:0008840, OMIM 208900.

Allele frequency attached by ClinVar (database versions not stated): TOPMed 0.00001.
gnomAD v4.1: 2 of 1,613,690 alleles (0.00012%); highest among the groups gnomAD compares: African/African-American, 0.0027%; no homozygotes.

Submissions (8):

Labcorp Genetics (formerly Invitae), Labcorp
Classification: Uncertain significance for Ataxia-telangiectasia syndrome. Last evaluated: 2025-05-13. Review status: criteria provided, single submitter. Criteria: Invitae Variant Classification Sherloc (09022015). Collection method: clinical testing. Allele origin: germline.
Comment: This sequence change replaces serine, which is neutral and polar, with leucine, which is neutral and non-polar, at codon 809 of the ATM protein (p.Ser809Leu). This variant is not present in population databases (gnomAD no frequency). This variant has not been reported in the literature in individuals affected with ATM-related conditions. ClinVar contains an entry for this variant (Variation ID: 181929). Invitae Evidence Modeling of protein sequence and biophysical properties (such as structural, functional, and spatial information, amino acid conservation, physicochemical variation, residue mobility, and thermodynamic stability) indicates that this missense variant is not expected to disrupt ATM protein function with a negative predictive value of 95%. In summary, the available evidence is currently insufficient to determine the role of this variant in disease. Therefore, it has been classified as a Variant of Uncertain Significance.

Department of Pathology and Laboratory Medicine, Sinai Health System
Classification: Uncertain significance for ATM-related cancer predisposition. Last evaluated: 2025-01-31. Review status: criteria provided, single submitter. Criteria: ACMG Guidelines, 2015. Collection method: clinical testing. Allele origin: germline.

Ambry Genetics
Classification: Uncertain significance for Hereditary cancer-predisposing syndrome. Last evaluated: 2024-01-27. Review status: criteria provided, single submitter. Criteria: Ambry Variant Classification Scheme 2023. Collection method: clinical testing. Allele origin: germline.
Comment: The p.S809L variant (also known as c.2426C>T), located in coding exon 15 of the ATM gene, results from a C to T substitution at nucleotide position 2426. The serine at codon 809 is replaced by leucine, an amino acid with dissimilar properties. This amino acid position is highly conserved in available vertebrate species. In addition, this alteration is predicted to be deleterious by in silico analysis. Since supporting evidence is limited at this time, the clinical significance of this alteration remains unclear.

Quest Diagnostics Nichols Institute San Juan Capistrano
Classification: Uncertain significance. Last evaluated: 2023-12-27. Review status: criteria provided, single submitter. Criteria: Quest Diagnostics criteria. Collection method: clinical testing. Allele origin: unknown.

KCCC/NGS Laboratory, Kuwait Cancer Control Center
Classification: Uncertain significance for Familial cancer of breast. Last evaluated: 2023-06-06. Review status: criteria provided, single submitter. Criteria: ACMG Guidelines, 2015. Collection method: clinical testing. Allele origin: germline. Affected: yes.
Comment: a variant of uncertain significance in the ATM gene (p.Ser809Leu). This sequence change replaces serine with leucine at codon 809 of the ATM protein (p.Ser809Leu). The serine residue is moderately conserved and there is a large physicochemical difference between serine and leucine. This variant is not present in population databases (gnomAD no frequency). This variant has not been reported in the literature in individuals with ATM-related conditions. ClinVar contains an entry for this variant (Variation ID: 181929) with 4 submissions describing this variant as of uncertain significance. In-silico prediction show pathogenic computational verdict based on 8 pathogenic predictions from BayesDel_addAF, DANN, FATHMM-MKL, LIST-S2, M-CAP, MutationAssessor, MutationTaster and SIFT vs 5 benign predictions from DEOGEN2, EIGEN, MVP, PrimateAI and REVEL. Therefore, it has been classified as a Variant of Uncertain Significance. Pathogenic/likely pathogenic mutations in the ATM gene are associated with susceptibility to breast cancer (OMIM 114480).

GeneDx
Classification: Uncertain significance. Last evaluated: 2023-04-04. Review status: criteria provided, single submitter. Criteria: GeneDx Variant Classification Process June 2021. Collection method: clinical testing. Allele origin: germline. Affected: yes.
Comment: Not observed at significant frequency in large population cohorts (gnomAD); In silico analysis supports that this missense variant does not alter protein structure/function; Has not been previously published as pathogenic or benign to our knowledge

Color Diagnostics, LLC DBA Color Health
Classification: Uncertain significance for Hereditary cancer-predisposing syndrome. Last evaluated: 2020-10-06. Review status: criteria provided, single submitter. Criteria: ACMG Guidelines, 2015. Collection method: clinical testing. Allele origin: germline.
Comment: This missense variant replaces serine with leucine at codon 809 of the ATM protein. Computational prediction suggests that this variant may not impact protein structure and function (internally defined REVEL score threshold <= 0.5, PMID: 27666373). To our knowledge, functional studies have not been reported for this variant. This variant has not been reported in individuals affected with hereditary cancer in the literature. This variant has not been identified in the general population by the Genome Aggregation Database (gnomAD). The available evidence is insufficient to determine the role of this variant in disease conclusively. Therefore, this variant is classified as a Variant of Uncertain Significance.

Neuberg Centre For Genomic Medicine, NCGM
Classification: Uncertain significance for Familial cancer of breast. Review status: criteria provided, single submitter. Criteria: ACMG Guidelines, 2015. Collection method: clinical testing. Allele origin: germline. Inheritance: Autosomal dominant inheritance. Affected: yes.
Comment: The c.2426C>T (p.Ser809Leu) missense variant in ATM gene has been submitted to ClinVar as a Variant of Uncertain Significance. It has not been reported in affected individuals. The p.Ser809Leu variant is novel (not in any individuals) in gnomAD Exomes and 1000 Genomes. The amino acid Ser at position 809 is changed to a Leu changing protein sequence and it might alter its composition and physico-chemical properties. The variant is predicted to be damaging by SIFT and the residue is conserved across species. The amino acid change p.Ser809Leu in ATM is predicted as conserved by GERP++ and PhyloP across 100 vertebrates. For these reasons, this variant has been classified as Variant of Uncertain Significance (VUS).